The following is an entry in ClinVar:

ClinVar aggregate classification (germline): Pathogenic/Likely pathogenic. Review status: criteria provided, multiple submitters, no conflicts (2 of 4 stars). 2 submissions from 2 submitters: Pathogenic (1); Likely pathogenic (1). Last evaluated 2024-11-22.

Conditions:
Centromeric instability of chromosomes 1,9 and 16 and immunodeficiency (ICF1). Also called: CENTROMERIC INSTABILITY, IMMUNODEFICIENCY SYNDROME; IMMUNE DEFICIENCY, VARIABLE, WITH CENTROMERIC INSTABILITY OF CHROMOSOMES 1, 9, AND 16; IMMUNODEFICIENCY SYNDROME, VARIABLE; Immunodeficiency-centromeric instability-facial anomalies. Identifiers: Orphanet 2268, MedGen C0398788, MONDO:0000133.
Immunodeficiency-centromeric instability-facial anomalies syndrome 1 (ICF1). Identifiers: Orphanet 2268, MedGen C4551557, MONDO:0009454, OMIM 242860.

Allele frequency attached by ClinVar (database versions not stated): ExAC 0.00001; gnomAD exomes 0.00001 and 0.00002; gnomAD 0.00002; TOPMed 0.00002.
gnomAD v4.1: 39 of 1,614,090 alleles (0.0024%); highest among the groups gnomAD compares: Non-Finnish European, 0.0031%; no homozygotes.

Submissions (2):

Women's Health and Genetics/Laboratory Corporation of America, LabCorp
Classification: Likely pathogenic for Immunodeficiency-centromeric instability-facial anomalies syndrome 1. Last evaluated: 2024-11-22. Review status: criteria provided, single submitter. Criteria: LabCorp Variant Classification Summary - May 2015. Collection method: clinical testing. Allele origin: germline.
Comment: Variant summary: DNMT3B c.2177T>G (p.Val726Gly) results in a non-conservative amino acid change located in the C-5 cytosine-specific DNA methylase (Dnmt) domain (IPR001525) of the encoded protein sequence. Four of five in-silico tools predict a damaging effect of the variant on protein function. The variant allele was found at a frequency of 1.2e-05 in 251496 control chromosomes. c.2177T>G has been reported in the literature in biallelic individuals affected with ICF Syndrome, Type 1 (e.g. Weemaes_2013, Hansen_1999, Xu_1999). These data indicate that the variant is likely to be associated with disease. At least one publication reports experimental evidence evaluating an impact on protein function. The most pronounced variant effect results in reduced methylation activity (e.g. Xie_2006, Ueda_2006). The following publications have been ascertained in the context of this evaluation (PMID: 10588719, 16501171, 23486536, 16543361, 10647011). ClinVar contains an entry for this variant (Variation ID: 6735). Based on the evidence outlined above, the variant was classified as likely pathogenic.

Labcorp Genetics (formerly Invitae), Labcorp
Classification: Pathogenic for Centromeric instability of chromosomes 1,9 and 16 and immunodeficiency. Last evaluated: 2024-01-06. Review status: criteria provided, single submitter. Criteria: Invitae Variant Classification Sherloc (09022015). Collection method: clinical testing. Allele origin: germline.
Comment: This sequence change replaces valine, which is neutral and non-polar, with glycine, which is neutral and non-polar, at codon 726 of the DNMT3B protein (p.Val726Gly). This variant is present in population databases (rs121908941, gnomAD 0.002%). This missense change has been observed in individual(s) with DNMT3B-related conditions (PMID: 10588719, 10647011, 11102980, 17893117, 23486536). It has also been observed to segregate with disease in related individuals. This variant is also known as V718G. ClinVar contains an entry for this variant (Variation ID: 6735). Advanced modeling of protein sequence and biophysical properties (such as structural, functional, and spatial information, amino acid conservation, physicochemical variation, residue mobility, and thermodynamic stability) has been performed at Invitae for this missense variant, however the output from this modeling did not meet the statistical confidence thresholds required to predict the impact of this variant on DNMT3B protein function. Experimental studies have shown that this missense change affects DNMT3B function (PMID: 11741835, 16543361). For these reasons, this variant has been classified as Pathogenic.

Literature cited by the submitters: PubMed 16543361 (cited by Women's Health and Genetics/Laboratory Corporation of America, LabCorp and Labcorp Genetics (formerly Invitae), Labcorp); PubMed 10588719 (cited by Women's Health and Genetics/Laboratory Corporation of America, LabCorp and Labcorp Genetics (formerly Invitae), Labcorp); PubMed 16501171 (cited by Women's Health and Genetics/Laboratory Corporation of America, LabCorp); PubMed 23486536 (cited by Women's Health and Genetics/Laboratory Corporation of America, LabCorp and Labcorp Genetics (formerly Invitae), Labcorp); PubMed 10647011 (cited by Women's Health and Genetics/Laboratory Corporation of America, LabCorp and Labcorp Genetics (formerly Invitae), Labcorp); PubMed 11102980 (cited by Labcorp Genetics (formerly Invitae), Labcorp); PubMed 17893117 (cited by Labcorp Genetics (formerly Invitae), Labcorp); PubMed 11741835 (cited by Labcorp Genetics (formerly Invitae), Labcorp).

NM_006892.4(DNMT3B):c.2177T>G (p.Val726Gly)

Gene: DNMT3B (DNA methyltransferase 3 beta; plus strand). Cytogenetic location: 20q11.21.
Variant type: single nucleotide variant.
Coding change: c.2177T>G on transcript NM_006892.4 (MANE Select); coding-DNA position 2177, T replaced by G.
Protein change: p.Val726Gly; replaces valine 726 with glycine.
Molecular consequence: missense variant.
Genome position (GRCh38, 1-based): chr20:32,802,416, T>G. VCF-style: chr20-32802416-T-G. GRCh37 (hg19) VCF-style: chr20-31390222-T-G.
Other names: c.1991T>G, p.Val664Gly (NM_001207055.2); c.1889T>G, p.Val630Gly (NM_001207056.2); c.2117T>G, p.Val706Gly (NM_175848.2, NM_175849.2); c.2153T>G, p.Val718Gly (NM_175850.3); short protein forms V718G, V726G, V664G, V706G, V630G.
Identifiers: ClinVar variation 6735 (VCV000006735.11), dbSNP rs121908941, ClinGen allele CA9810839.